The following is an entry in ClinVar:

ClinVar aggregate classification (germline): Likely benign (1 of 4 stars; one submission).

gnomAD v4.1: 602 of 1,613,730 alleles (0.037%); highest among the groups gnomAD compares: African/African-American, 0.59%; 2 homozygotes.

Submission:

CeGaT Center for Human Genetics Tuebingen
Classification: Likely benign. Last evaluated: 2025-02-01. Review status: criteria provided, single submitter. Criteria: CeGaT Center For Human Genetics Tuebingen Variant Classification Criteria Version 2. Collection method: clinical testing. Allele origin: germline. Affected: yes. Observed: 1 variant allele.
Comment: RMI1: BP4

NM_001358291.2(RMI1):c.1448C>T (p.Ala483Val)

Gene: RMI1 (RecQ mediated genome instability 1; plus strand). Cytogenetic location: 9q21.32.
Variant type: single nucleotide variant.
Coding change: c.1448C>T on transcript NM_001358291.2 (MANE Select); coding-DNA position 1448, C replaced by T.
Protein change: p.Ala483Val; replaces alanine 483 with valine.
Molecular consequence: missense variant.
Genome position (GRCh38, 1-based): chr9:84,002,434, C>T. VCF-style: chr9-84002434-C-T. GRCh37 (hg19) VCF-style: chr9-86617349-C-T.
Other names: c.1448C>T, p.Ala483Val (NM_001358292.2, NM_001358293.2, NM_001358294.2 and 1 more transcripts); short protein forms A483V.
Identifiers: ClinVar variation 3770959 (VCV003770959.13).